The following is an entry in ClinVar:

ClinVar aggregate classification (germline): Uncertain significance. Review status: criteria provided, multiple submitters, no conflicts (2 of 4 stars). 2 submissions from 2 submitters: Uncertain significance (2). Last evaluated 2024-01-31.

Conditions:
Smith-Magenis syndrome (SMS). Also called: CHROMOSOME 17p11.2 DELETION SYNDROME. Identifiers: Orphanet 819, MedGen C0795864, MONDO:0008434, OMIM 182290.

Allele frequency attached by ClinVar (database versions not stated): gnomAD exomes below 0.00001.
gnomAD v4.1: 2 of 1,614,096 alleles (0.00012%); highest among the groups gnomAD compares: Non-Finnish European, 0.00017%; no homozygotes.

Submissions (2):

Laboratorio de Genetica e Diagnostico Molecular, Hospital Israelita Albert Einstein
Classification: Uncertain significance for Smith-Magenis syndrome. Last evaluated: 2024-01-31. Review status: criteria provided, single submitter. Criteria: ACMG Guidelines, 2015. Collection method: clinical testing. Allele origin: germline. Affected: yes.
Comment: ACMG classification criteria: PM2 supporting, BP4 supporting

Labcorp Genetics (formerly Invitae), Labcorp
Classification: Uncertain significance. Last evaluated: 2022-05-05. Review status: criteria provided, single submitter. Criteria: Invitae Variant Classification Sherloc (09022015). Collection method: clinical testing. Allele origin: germline.
Comment: This sequence change replaces alanine, which is neutral and non-polar, with threonine, which is neutral and polar, at codon 724 of the RAI1 protein (p.Ala724Thr). In summary, the available evidence is currently insufficient to determine the role of this variant in disease. Therefore, it has been classified as a Variant of Uncertain Significance. Algorithms developed to predict the effect of missense changes on protein structure and function output the following: SIFT: "Deleterious"; PolyPhen-2: "Benign"; Align-GVGD: "Class C0". The threonine amino acid residue is found in multiple mammalian species, which suggests that this missense change does not adversely affect protein function. This variant has not been reported in the literature in individuals affected with RAI1-related conditions. This variant is not present in population databases (gnomAD no frequency).

NM_030665.4(RAI1):c.2170G>A (p.Ala724Thr)

Gene: RAI1 (retinoic acid induced 1; plus strand). Cytogenetic location: 17p11.2.
Variant type: single nucleotide variant.
Coding change: c.2170G>A on transcript NM_030665.4 (MANE Select); coding-DNA position 2170, G replaced by A.
Protein change: p.Ala724Thr; replaces alanine 724 with threonine.
Molecular consequence: missense variant.
Genome position (GRCh38, 1-based): chr17:17,795,118, G>A. VCF-style: chr17-17795118-G-A. GRCh37 (hg19) VCF-style: chr17-17698432-G-A.
Other names: short protein forms A724T.
Identifiers: ClinVar variation 2158696 (VCV002158696.5), dbSNP rs2508579938, ClinGen allele CA398550326.